The following is an entry in ClinVar:

ClinVar aggregate classification (germline): Uncertain significance. Review status: criteria provided, multiple submitters, no conflicts (2 of 4 stars). 2 submissions from 2 submitters: Uncertain significance (2). Last evaluated 2024-11-18.

Conditions:
Hereditary cancer-predisposing syndrome. Also called: Tumor predisposition; Hereditary neoplastic syndrome; Neoplastic Syndromes, Hereditary; Hereditary Cancer Syndrome. Identifiers: Orphanet 140162, MedGen C0027672, MeSH D009386, MONDO:0015356.
Neuroblastoma, susceptibility to, 3. Also called: ALK-Related Neuroblastic Tumor Susceptibility. Identifiers: Orphanet 635, MedGen C2751681, MONDO:0013083, OMIM 613014.

Submissions (2):

Labcorp Genetics (formerly Invitae), Labcorp
Classification: Uncertain significance for Neuroblastoma, susceptibility to, 3. Last evaluated: 2024-11-18. Review status: criteria provided, single submitter. Criteria: Invitae Variant Classification Sherloc (09022015). Collection method: clinical testing. Allele origin: germline.
Comment: This sequence change replaces isoleucine, which is neutral and non-polar, with threonine, which is neutral and polar, at codon 1277 of the ALK protein (p.Ile1277Thr). This variant is not present in population databases (gnomAD no frequency). This variant has not been reported in the literature in individuals affected with ALK-related conditions. ClinVar contains an entry for this variant (Variation ID: 2562268). An algorithm developed to predict the effect of missense changes on protein structure and function (PolyPhen-2) suggests that this variant is likely to be disruptive. In summary, the available evidence is currently insufficient to determine the role of this variant in disease. Therefore, it has been classified as a Variant of Uncertain Significance.

Ambry Genetics
Classification: Uncertain significance for Hereditary cancer-predisposing syndrome. Last evaluated: 2023-04-24. Review status: criteria provided, single submitter. Criteria: Ambry Variant Classification Scheme 2023. Collection method: clinical testing. Allele origin: germline.
Comment: The p.I1277T variant (also known as c.3830T>C), located in coding exon 25 of the ALK gene, results from a T to C substitution at nucleotide position 3830. The isoleucine at codon 1277 is replaced by threonine, an amino acid with similar properties. This amino acid position is highly conserved in available vertebrate species. In addition, this alteration is predicted to be deleterious by in silico analysis. Since supporting evidence is limited at this time, the clinical significance of this alteration remains unclear.

NM_004304.5(ALK):c.3830T>C (p.Ile1277Thr)

Gene: ALK (ALK receptor tyrosine kinase; minus strand). Cytogenetic location: 2p23.2.
Variant type: single nucleotide variant.
Coding change: c.3830T>C on transcript NM_004304.5 (MANE Select); coding-DNA position 3830, T replaced by C.
Protein change: p.Ile1277Thr; replaces isoleucine 1277 with threonine.
Molecular consequence: missense variant.
Genome position (GRCh38, 1-based): chr2:29,209,792, A>G on the plus strand (T>C on the coding strand, the complement: ALK is on the minus strand). VCF-style: chr2-29209792-A-G. GRCh37 (hg19) VCF-style: chr2-29432658-A-G.
Other names: c.626T>C, p.Ile209Thr (NM_001353765.2); short protein forms I1277T, I209T.
Identifiers: ClinVar variation 2562268 (VCV002562268.4), dbSNP rs2148155036, ClinGen allele CA346469546.